The following is an entry in ClinVar:

NM_001009944.3(PKD1):c.4846G>T (p.Glu1616Ter)

Gene: PKD1 (polycystin 1, transient receptor potential channel interacting; minus strand). Cytogenetic location: 16p13.3.
Variant type: single nucleotide variant.
Coding change: c.4846G>T on transcript NM_001009944.3 (MANE Select); coding-DNA position 4846, G replaced by T.
Protein change: p.Glu1616Ter; replaces glutamic acid 1616 with a stop codon.
Molecular consequence: nonsense.
Genome position (GRCh38, 1-based): chr16:2,110,321, C>A on the plus strand (G>T on the coding strand, the complement: PKD1 is on the minus strand). VCF-style: chr16-2110321-C-A. GRCh37 (hg19) VCF-style: chr16-2160322-C-A.
Other names: c.4846G>T, p.Glu1616Ter (NM_000296.4); c.4846G>T (NM_001009944.2); short protein forms E1616*.
Identifiers: ClinVar variation 374119 (VCV000374119.30), dbSNP rs566014072, ClinGen allele CA16043507.

ClinVar aggregate classification (germline): Pathogenic/Likely pathogenic. Review status: criteria provided, multiple submitters, no conflicts (2 of 4 stars). 4 submissions from 4 submitters: Pathogenic (3); Likely pathogenic (1). Last evaluated 2024-09-13.

Conditions:
Polycystic kidney disease, adult type (PKD1). Also called: Polycystic Kidney Disease 1, Autosomal Dominant; Polycystic kidney disease 1; Polycystic kidney disease 1, severe; POLYCYSTIC KIDNEY DISEASE 1 WITH OR WITHOUT POLYCYSTIC LIVER DISEASE; POLYCYSTIC KIDNEY DISEASE, ADULT, TYPE I; Polycystic Kidney, Autosomal Dominant. Identifiers: MedGen C3149841, MONDO:0008263, OMIM 173900.
3-4 toe syndactyly. Identifiers: MedGen C1834062, HP:0009779.
Moderate sensorineural hearing impairment. Identifiers: MedGen C4024664, HP:0008504.
Polycystic kidney disease. Also called: Kidney, Polycystic; Polycystic kidney dysplasia. Identifiers: MedGen C0022680, MeSH D007690, MONDO:0020642, HP:0000113.

Submissions (4):

GeneDx
Classification: Pathogenic. Last evaluated: 2024-09-13. Review status: criteria provided, single submitter. Criteria: GeneDx Variant Classification Process June 2021. Collection method: clinical testing. Allele origin: germline. Affected: yes.
Comment: Identified in an individual with polycystic kidney disease, however detailed clinical information was not provided (PMID: 30333007); Nonsense variant predicted to result in protein truncation or nonsense mediated decay in a gene for which loss of function is a known mechanism of disease; Not observed at significant frequency in large population cohorts (gnomAD); This variant is associated with the following publications: (PMID: 30333007)

Fulgent Genetics
Classification: Pathogenic for Polycystic kidney disease, adult type. Last evaluated: 2024-04-15. Review status: criteria provided, single submitter. Criteria: ACMG Guidelines, 2015. Collection method: clinical testing. Allele origin: germline.

CeGaT Center for Human Genetics Tuebingen
Classification: Pathogenic. Last evaluated: 2023-05-01. Review status: criteria provided, single submitter. Criteria: CeGaT Center For Human Genetics Tuebingen Variant Classification Criteria Version 2. Collection method: clinical testing. Allele origin: germline. Affected: yes. Observed: 1 variant allele.
Comment: PKD1: PVS1, PM2, PS4:Supporting

Centre for Mendelian Genomics, University Medical Centre Ljubljana
Classification: Likely pathogenic for 3-4 toe syndactyly; Moderate sensorineural hearing impairment; Polycystic kidney disease. Last evaluated: 2015-02-02. Review status: criteria provided, single submitter. Criteria: ACMG Guidelines, 2015. Collection method: clinical testing. Allele origin: unknown. Affected: yes.